The following is an entry in ClinVar:

NM_000551.4(VHL):c.307C>G (p.Pro103Ala)

Gene: VHL (von Hippel-Lindau tumor suppressor; plus strand). Cytogenetic location: 3p25.3.
Variant type: single nucleotide variant.
Coding change: c.307C>G on transcript NM_000551.4 (MANE Select); coding-DNA position 307, C replaced by G.
Protein change: p.Pro103Ala; replaces proline 103 with alanine.
Molecular consequence: missense variant.
Genome position (GRCh38, 1-based): chr3:10,142,154, C>G. VCF-style: chr3-10142154-C-G. GRCh37 (hg19) VCF-style: chr3-10183838-C-G.
Other names: c.307C>G, p.Pro103Ala (NM_001354723.2, NM_198156.3); short protein forms P103A.
Identifiers: ClinVar variation 219823 (VCV000219823.15), dbSNP rs864622267, ClinGen allele CA348715.

ClinVar aggregate classification (germline): Conflicting classifications of pathogenicity. Review status: criteria provided, conflicting classifications (1 of 4 stars). 2 submissions from 2 submitters: Uncertain significance (1); Likely benign (1). Last evaluated 2025-11-10.

Conditions:
Von Hippel-Lindau syndrome (VHLS). Also called: Von Hippel-Lindau; von Hippel–Lindau syndrome; VHL syndrome. Identifiers: Orphanet 892, MedGen C0019562, MONDO:0008667, OMIM 193300. Disease mechanism: loss of function.
Chuvash polycythemia. Also called: POLYCYTHEMIA, VHL-DEPENDENT. Identifiers: Orphanet 238557, MedGen C1837915, MONDO:0009892, OMIM 263400.
Hereditary cancer-predisposing syndrome. Also called: Tumor predisposition; Hereditary neoplastic syndrome; Neoplastic Syndromes, Hereditary; Hereditary Cancer Syndrome. Identifiers: Orphanet 140162, MedGen C0027672, MeSH D009386, MONDO:0015356.

Submissions (2):

Labcorp Genetics (formerly Invitae), Labcorp
Classification: Uncertain significance for Von Hippel-Lindau syndrome; Chuvash polycythemia. Last evaluated: 2025-11-10. Review status: criteria provided, single submitter. Criteria: Invitae Variant Classification Sherloc (09022015). Collection method: clinical testing. Allele origin: germline.
Comment: This sequence change replaces proline, which is neutral and non-polar, with alanine, which is neutral and non-polar, at codon 103 of the VHL protein (p.Pro103Ala). This variant is not present in population databases (gnomAD no frequency). This missense change has been observed in individual(s) with pheochromocytoma and/or pheocromocytoma (PMID: 21463266). ClinVar contains an entry for this variant (Variation ID: 219823). Invitae Evidence Modeling of protein sequence and biophysical properties (such as structural, functional, and spatial information, amino acid conservation, physicochemical variation, residue mobility, and thermodynamic stability) indicates that this missense variant is expected to disrupt VHL protein function with a positive predictive value of 95%. This variant disrupts the p.Pro103 amino acid residue in VHL. Other variant(s) that disrupt this residue have been determined to be pathogenic (PMID: 23407919; internal data). This suggests that this residue is clinically significant, and that variants that disrupt this residue are likely to be disease-causing. In summary, the available evidence is currently insufficient to determine the role of this variant in disease. Therefore, it has been classified as a Variant of Uncertain Significance.

Ambry Genetics
Classification: Likely benign for Hereditary cancer-predisposing syndrome. Last evaluated: 2024-11-26. Review status: criteria provided, single submitter. Criteria: Ambry Variant Classification Scheme 2023. Collection method: clinical testing. Allele origin: germline.

Literature cited by the submitters: PubMed 21463266 (cited by Labcorp Genetics (formerly Invitae), Labcorp and Ambry Genetics); PubMed 23407919 (cited by Labcorp Genetics (formerly Invitae), Labcorp); PubMed 38969834 (cited by Ambry Genetics).